The following is an entry in ClinVar:

ClinVar aggregate classification (germline): Pathogenic/Likely pathogenic. Review status: criteria provided, multiple submitters, no conflicts (2 of 4 stars). 2 submissions from 2 submitters: Pathogenic (1); Likely pathogenic (1). Last evaluated 2025-04-10.

Submissions (2):

Mayo Clinic Laboratories, Mayo Clinic
Classification: Pathogenic. Last evaluated: 2025-04-10. Review status: criteria provided, single submitter. Criteria: ACMG Guidelines, 2015. Collection method: clinical testing. Allele origin: germline. Observed: 1 variant allele.
Comment: PP3_strong, PP4, PM1, PM2_supporting, PM5, PS3_supporting, PS4_moderate

Labcorp Genetics (formerly Invitae), Labcorp
Classification: Likely pathogenic. Last evaluated: 2023-11-17. Review status: criteria provided, single submitter. Criteria: Invitae Variant Classification Sherloc (09022015). Collection method: clinical testing. Allele origin: germline.
Comment: This sequence change replaces cysteine, which is neutral and slightly polar, with tyrosine, which is neutral and polar, at codon 542 of the NOTCH3 protein (p.Cys542Tyr). This variant is not present in population databases (gnomAD no frequency). This missense change has been observed in individual(s) with cerebral arteriopathy with subcortical infarcts and leukoencephalopathy (CADASIL) (PMID: 8878478, 32277177). This variant is also known as TGT-> TAT C->Y within exon N9. Advanced modeling of protein sequence and biophysical properties (such as structural, functional, and spatial information, amino acid conservation, physicochemical variation, residue mobility, and thermodynamic stability) performed at Invitae indicates that this missense variant is expected to disrupt NOTCH3 protein function with a positive predictive value of 95%. Experimental studies have shown that this missense change affects NOTCH3 function (PMID: 14714274). This variant disrupts the p.Cys542 amino acid residue in NOTCH3. Other variant(s) that disrupt this residue have been determined to be pathogenic (PMID: 34741685). This suggests that this residue is clinically significant, and that variants that disrupt this residue are likely to be disease-causing. In summary, the currently available evidence indicates that the variant is pathogenic, but additional data are needed to prove that conclusively. Therefore, this variant has been classified as Likely Pathogenic.

Literature cited by the submitters: PubMed 14714274 (cited by Mayo Clinic Laboratories, Mayo Clinic and Labcorp Genetics (formerly Invitae), Labcorp); PubMed 15857853 (cited by Mayo Clinic Laboratories, Mayo Clinic); PubMed 18273901 (cited by Mayo Clinic Laboratories, Mayo Clinic); PubMed 19174371 (cited by Mayo Clinic Laboratories, Mayo Clinic); PubMed 32277177 (cited by Mayo Clinic Laboratories, Mayo Clinic and Labcorp Genetics (formerly Invitae), Labcorp); PubMed 37873835 (cited by Mayo Clinic Laboratories, Mayo Clinic); PubMed 8878478 (cited by Mayo Clinic Laboratories, Mayo Clinic and Labcorp Genetics (formerly Invitae), Labcorp); PubMed 34741685 (cited by Labcorp Genetics (formerly Invitae), Labcorp).

NM_000435.3(NOTCH3):c.1625G>A (p.Cys542Tyr)

Gene: NOTCH3 (notch receptor 3; minus strand). Cytogenetic location: 19p13.12.
Variant type: single nucleotide variant.
Coding change: c.1625G>A on transcript NM_000435.3 (MANE Select); coding-DNA position 1625, G replaced by A.
Protein change: p.Cys542Tyr; replaces cysteine 542 with tyrosine.
Molecular consequence: missense variant.
Genome position (GRCh38, 1-based): chr19:15,187,320, C>T on the plus strand (G>A on the coding strand, the complement: NOTCH3 is on the minus strand). VCF-style: chr19-15187320-C-T. GRCh37 (hg19) VCF-style: chr19-15298131-C-T.
Other names: p.Cys542Tyr; short protein forms C542Y.
Identifiers: ClinVar variation 2736832 (VCV002736832.4), dbSNP rs2512658095, ClinGen allele CA404526109.
Genomic context (GRCh38, chr19:15,187,320, plus strand): 5'-CCATCCACGCAGCGACCATGGTGGCATGGGTCAGGGGAGCAGTCGTCCACGTTGCGATCA[C>T]ACAGCGTGCCCTCAAAGCCTGTGGGGCCAAGAGGGTCAGGCTCCGCCCACTTGCCAGGGG-3'
Protein context (NP_000426.2, residues 532-552): RCAEGFEGTL[Cys542Tyr]DRNVDDCSPD